The following is an entry in ClinVar:

ClinVar aggregate classification (germline): Uncertain significance. Review status: criteria provided, multiple submitters, no conflicts (2 of 4 stars). 2 submissions from 2 submitters: Uncertain significance (2). Last evaluated 2023-11-28.

Conditions:
Inborn genetic diseases. Identifiers: MedGen C0950123, MeSH D030342.

Allele frequency attached by ClinVar (database versions not stated): gnomAD exomes below 0.00001.
gnomAD v4.1: 1 of 1,613,918 alleles (0.000062%); highest among the groups gnomAD compares: Non-Finnish European, 0.000085%; no homozygotes.

Submissions (2):

Ambry Genetics
Classification: Uncertain significance for Inborn genetic diseases. Last evaluated: 2023-11-28. Review status: criteria provided, single submitter. Criteria: Ambry Variant Classification Scheme 2023. Collection method: clinical testing. Allele origin: germline.

Women's Health and Genetics/Laboratory Corporation of America, LabCorp
Classification: Uncertain significance. Last evaluated: 2023-08-02. Review status: criteria provided, single submitter. Criteria: LabCorp Variant Classification Summary - May 2015. Collection method: clinical testing. Allele origin: germline.
Comment: Variant summary: CIC c.2923A>G (p.Ser975Gly) results in a non-conservative amino acid change in the encoded protein sequence. Four of five in-silico tools predict a benign effect of the variant on protein function. The variant allele was found at a frequency of 4e-06 in 251066 control chromosomes. The available data on variant occurrences in the general population are insufficient to allow any conclusion about variant significance. To our knowledge, no occurrence of c.2923A>G in individuals affected with Mental Retardation, Autosomal Dominant 45 and no experimental evidence demonstrating its impact on protein function have been reported. No submitters have cited clinical-significance assessments for this variant to ClinVar after 2014. Based on the evidence outlined above, the variant was classified as uncertain significance.

NM_001386298.1(CIC):c.5650A>G (p.Ser1884Gly)

Gene: CIC (capicua transcriptional repressor; plus strand). Cytogenetic location: 19q13.2.
Variant type: single nucleotide variant.
Coding change: c.5650A>G on transcript NM_001386298.1 (MANE Select); coding-DNA position 5650, A replaced by G.
Protein change: p.Ser1884Gly; replaces serine 1884 with glycine.
Molecular consequence: missense variant.
Genome position (GRCh38, 1-based): chr19:42,292,122, A>G. VCF-style: chr19-42292122-A-G. GRCh37 (hg19) VCF-style: chr19-42796274-A-G.
Other names: c.5650A>G, p.Ser1884Gly (NM_001304815.2, NM_001379480.1, NM_001379482.1 and 1 more transcripts); c.2923A>G, p.Ser975Gly (NM_001379484.1, NM_001379485.1, NM_015125.5); c.2923A>G (NM_015125.3); short protein forms S1884G, S975G.
Identifiers: ClinVar variation 2581227 (VCV002581227.2), dbSNP rs1568521200, ClinGen allele CA406113316.